The following is an entry in ClinVar:

ClinVar aggregate classification (germline): Benign/Likely benign. Review status: criteria provided, multiple submitters, no conflicts (2 of 4 stars). 3 submissions from 3 submitters: Benign (1); Likely benign (1). 1 of the submissions does not count toward it. Last evaluated 2025-12-24.

Conditions:
XPR1-related disorder. Also called: XPR1-related condition.

Allele frequency attached by ClinVar (database versions not stated): gnomAD exomes 0.00033 and 0.00089; ExAC 0.00114; ESP Exome Variant Server 0.00338; gnomAD 0.00361 and 0.00387; TOPMed 0.00383; 1000 Genomes Project 0.00439; 1000 Genomes Project 30x 0.00468.
gnomAD v4.1: 1,036 of 1,613,366 alleles (0.064%); highest among the groups gnomAD compares: African/African-American, 1.3%; 8 homozygotes.

Submissions (3):

Labcorp Genetics (formerly Invitae), Labcorp
Classification: Benign. Last evaluated: 2025-12-24. Review status: criteria provided, single submitter. Criteria: Invitae Variant Classification Sherloc (09022015). Collection method: clinical testing. Allele origin: germline.

GeneDx
Classification: Likely benign. Last evaluated: 2021-03-17. Review status: criteria provided, single submitter. Criteria: GeneDx Variant Classification Process June 2021. Collection method: clinical testing. Allele origin: germline. Affected: yes.

PreventionGenetics, part of Exact Sciences
Classification: Benign for XPR1-related condition. Last evaluated: 2019-06-04. Review status: no assertion criteria provided. Collection method: clinical testing. Allele origin: germline. Not counted in ClinVar's aggregate classification.
Comment: This variant is classified as benign based on ACMG/AMP sequence variant interpretation guidelines (Richards et al. 2015 PMID: 25741868, with internal and published modifications).

NM_004736.4(XPR1):c.1306+8A>G

Gene: XPR1 (xenotropic and polytropic retrovirus receptor 1; plus strand). Cytogenetic location: 1q25.3.
Variant type: single nucleotide variant.
Coding change: c.1306+8A>G on transcript NM_004736.4 (MANE Select); 8 bases into the intron after coding-DNA position 1306, A replaced by G.
Molecular consequence: intron variant.
Genome position (GRCh38, 1-based): chr1:180,835,053, A>G. VCF-style: chr1-180835053-A-G. GRCh37 (hg19) VCF-style: chr1-180804189-A-G.
Other names: c.1306+8A>G (NM_001135669.2, NM_001328662.2).
Identifiers: ClinVar variation 783955 (VCV000783955.12), dbSNP rs191427425, ClinGen allele CA1272735.